The following is an entry in ClinVar:

ClinVar aggregate classification (germline): Conflicting classifications of pathogenicity. Review status: criteria provided, conflicting classifications (1 of 4 stars). 2 submissions from 2 submitters: Likely pathogenic (1); Uncertain significance (1). Last evaluated 2025-03-24.

Conditions:
Sudden infant death-dysgenesis of the testes syndrome. Identifiers: Orphanet 168593, MedGen C1837371, MONDO:0012124, OMIM 608800.

Submissions (2):

Labcorp Genetics (formerly Invitae), Labcorp
Classification: Uncertain significance. Last evaluated: 2025-03-24. Review status: criteria provided, single submitter. Criteria: Invitae Variant Classification Sherloc (09022015). Collection method: clinical testing. Allele origin: germline.
Comment: This sequence change creates a premature translational stop signal (p.Gly79Valfs*36) in the TSPYL1 gene. While this is not anticipated to result in nonsense mediated decay, it is expected to disrupt the last 359 amino acid(s) of the TSPYL1 protein. This variant is present in population databases (rs776649638, gnomAD 0.002%). This premature translational stop signal has been observed in individual(s) with sudden infant death with dysgenesis of the testes syndrome (PMID: 36082874). ClinVar contains an entry for this variant (Variation ID: 988762). In summary, the available evidence is currently insufficient to determine the role of this variant in disease. Therefore, it has been classified as a Variant of Uncertain Significance.

Equipe Genetique des Anomalies du Developpement, Université de Bourgogne
Classification: Likely pathogenic for Sudden infant death-dysgenesis of the testes syndrome. Last evaluated: 2020-05-14. Review status: criteria provided, single submitter. Criteria: ACMG Guidelines, 2015. Collection method: clinical testing. Allele origin: inherited. Affected: yes.
Comment: compound heterozygous c.[725_726del;236del]

Literature cited by the submitters: PubMed 36082874 (cited by Labcorp Genetics (formerly Invitae), Labcorp).

NM_003309.4(TSPYL1):c.236del (p.Gly79fs)

Genes: DSE (dermatan sulfate epimerase; plus strand), TSPYL1 (TSPY like 1; minus strand), LOC129997035 (ATAC-STARR-seq lymphoblastoid active region 24984; plus strand). Cytogenetic location: 6q22.1.
Variant type: Deletion.
Coding change: c.236del on transcript NM_003309.4 (MANE Select); coding-DNA position 236, one base deleted (G; older notation c.236delG).
Protein change: p.Gly79fs; shifts the reading frame from glycine 79.
Molecular consequence: frameshift variant. On other transcripts: intron variant (6).
Genome position (GRCh38, 1-based): chr6:116,279,595, C deleted on the plus strand (G on the coding strand, the reverse complement: TSPYL1 is on the minus strand); the first of 2 consecutive C bases (chr6:116,279,595-116,279,596); deleting either gives the same sequence. VCF-style (leftmost placement, unchanged base first): chr6-116279594-AC-A. GRCh37 (hg19) VCF-style: chr6-116600757-AC-A.
Other names: c.235delG, p.Gly79Valfs (NM_003309.3); c.-954+20629del (NM_001374520.1); c.-54+20629del (NM_001322937.2, NM_001322938.2, NM_001374522.1); c.-641+20629del (NM_001374521.1); c.-611+20629del (NM_001322940.2); short protein forms G79fs.
Identifiers: ClinVar variation 988762 (VCV000988762.3), dbSNP rs776649638, ClinGen allele CA3969343.